The following is an entry in ClinVar:

NM_004985.5(KRAS):c.119A>G (p.Tyr40Cys)

Gene: KRAS (KRAS proto-oncogene, GTPase; minus strand). Cytogenetic location: 12p12.1.
Variant type: single nucleotide variant.
Coding change: c.119A>G on transcript NM_004985.5 (MANE Select); coding-DNA position 119, A replaced by G.
Protein change: p.Tyr40Cys; replaces tyrosine 40 with cysteine.
Molecular consequence: missense variant.
Genome position (GRCh38, 1-based): chr12:25,227,405, T>C on the plus strand (A>G on the coding strand, the complement: KRAS is on the minus strand). VCF-style: chr12-25227405-T-C. GRCh37 (hg19) VCF-style: chr12-25380339-T-C.
Other names: c.119A>G, p.Tyr40Cys (NM_001369786.1, NM_001369787.1, NM_033360.4); short protein forms Y40C.
Identifiers: ClinVar variation 4775342 (VCV004775342.1).
Genomic context (GRCh38, chr12:25,227,405, plus strand): 5'-CCTGCTGTGTCGAGAATATCCAAGAGACAGGTTTCTCCATCAATTACTACTTGCTTCCTG[T>C]AGGAATCCTGAGAAGGGAGAAACACAGTCTGGATTATTACAGTGCACCTTTTACTTCAAA-3'
Protein context (NP_004976.2, residues 30-50): DEYDPTIEDS[Tyr40Cys]RKQVVIDGET

ClinVar aggregate classification (germline): Uncertain significance (1 of 4 stars; one submission).

Conditions:
RASopathy. Also called: Noonan spectrum disorder; rasopathies. Identifiers: Orphanet 536391, MedGen C5555857, MONDO:0021060.

Submission:

Labcorp Genetics (formerly Invitae), Labcorp
Classification: Uncertain significance for RASopathy. Last evaluated: 2025-10-17. Review status: criteria provided, single submitter. Criteria: Invitae Variant Classification Sherloc (09022015). Collection method: clinical testing. Allele origin: germline.
Comment: This sequence change replaces tyrosine, which is neutral and polar, with cysteine, which is neutral and slightly polar, at codon 40 of the KRAS protein (p.Tyr40Cys). This variant is not present in population databases (gnomAD no frequency). This variant has not been reported in the literature in individuals affected with KRAS-related conditions. Invitae Evidence Modeling of protein sequence and biophysical properties (such as structural, functional, and spatial information, amino acid conservation, physicochemical variation, residue mobility, and thermodynamic stability) indicates that this missense variant is expected to disrupt KRAS protein function with a positive predictive value of 95%. Experimental studies have shown that this missense change affects KRAS function (PMID: 30192821, 31958057). In summary, the available evidence is currently insufficient to determine the role of this variant in disease. Therefore, it has been classified as a Variant of Uncertain Significance.

Literature cited by the submitters: PubMed 30192821; PubMed 31958057.